The following is an entry in ClinVar:

ClinVar aggregate classification (germline): Uncertain significance (1 of 4 stars; one submission).

Conditions:
Dilated cardiomyopathy 1DD (CMD1DD). Identifiers: Orphanet 154, MedGen C2750995, MONDO:0013168, OMIM 613172.

Allele frequency attached by ClinVar (database versions not stated): gnomAD exomes below 0.00001.
gnomAD v4.1: 1 of 1,550,892 alleles (0.000064%); highest among the groups gnomAD compares: Non-Finnish European, 0.000087%; no homozygotes.

Submission:

Labcorp Genetics (formerly Invitae), Labcorp
Classification: Uncertain significance for Dilated cardiomyopathy 1DD. Last evaluated: 2022-11-16. Review status: criteria provided, single submitter. Criteria: Invitae Variant Classification Sherloc (09022015). Collection method: clinical testing. Allele origin: germline.
Comment: This sequence change replaces aspartic acid, which is acidic and polar, with valine, which is neutral and non-polar, at codon 426 of the RBM20 protein (p.Asp426Val). This variant is not present in population databases (gnomAD no frequency). This variant has not been reported in the literature in individuals affected with RBM20-related conditions. Algorithms developed to predict the effect of missense changes on protein structure and function are either unavailable or do not agree on the potential impact of this missense change (SIFT: "Deleterious"; PolyPhen-2: "Probably Damaging"; Align-GVGD: "Class C0"). In summary, the available evidence is currently insufficient to determine the role of this variant in disease. Therefore, it has been classified as a Variant of Uncertain Significance.

NM_001134363.3(RBM20):c.1277A>T (p.Asp426Val)

Gene: RBM20 (RNA binding motif protein 20; plus strand). Cytogenetic location: 10q25.2.
Variant type: single nucleotide variant.
Coding change: c.1277A>T on transcript NM_001134363.3 (MANE Select); coding-DNA position 1277, A replaced by T.
Protein change: p.Asp426Val; replaces aspartic acid 426 with valine.
Molecular consequence: missense variant.
Genome position (GRCh38, 1-based): chr10:110,783,367, A>T. VCF-style: chr10-110783367-A-T. GRCh37 (hg19) VCF-style: chr10-112543125-A-T.
Other names: short protein forms D426V.
Identifiers: ClinVar variation 2814619 (VCV002814619.3), dbSNP rs2493417568, ClinGen allele CA378386975.